The following is an entry in ClinVar:

NM_032119.4(ADGRV1):c.5620A>C (p.Ser1874Arg)

Gene: ADGRV1 (adhesion G protein-coupled receptor V1; plus strand). Cytogenetic location: 5q14.3.
Variant type: single nucleotide variant.
Coding change: c.5620A>C on transcript NM_032119.4 (MANE Select); coding-DNA position 5620, A replaced by C.
Protein change: p.Ser1874Arg; replaces serine 1874 with arginine.
Molecular consequence: missense variant. On other transcripts: non-coding transcript variant (1).
Genome position (GRCh38, 1-based): chr5:90,681,410, A>C. VCF-style: chr5-90681410-A-C. GRCh37 (hg19) VCF-style: chr5-89977227-A-C.
Other names: short protein forms S1874R.
Identifiers: ClinVar variation 1519708 (VCV001519708.3), dbSNP rs539129992, ClinGen allele CA360412486.

ClinVar aggregate classification (germline): Uncertain significance (1 of 4 stars; one submission).

gnomAD v4.1: 2 of 1,613,878 alleles (0.00012%); highest among the groups gnomAD compares: Non-Finnish European, 0.00017%; no homozygotes.

Submission:

Labcorp Genetics (formerly Invitae), Labcorp
Classification: Uncertain significance. Last evaluated: 2022-05-31. Review status: criteria provided, single submitter. Criteria: Invitae Variant Classification Sherloc (09022015). Collection method: clinical testing. Allele origin: germline.
Comment: This sequence change replaces serine, which is neutral and polar, with arginine, which is basic and polar, at codon 1874 of the ADGRV1 protein (p.Ser1874Arg). This variant is not present in population databases (gnomAD no frequency). This variant has not been reported in the literature in individuals affected with ADGRV1-related conditions. ClinVar contains an entry for this variant (Variation ID: 1519708). Algorithms developed to predict the effect of missense changes on protein structure and function are either unavailable or do not agree on the potential impact of this missense change (SIFT: "Deleterious"; PolyPhen-2: "Benign"; Align-GVGD: "Class C0"). In summary, the available evidence is currently insufficient to determine the role of this variant in disease. Therefore, it has been classified as a Variant of Uncertain Significance.